The following is an entry in ClinVar:

ClinVar aggregate classification (germline): Uncertain significance (1 of 4 stars; one submission).

Conditions:
Hereditary cancer-predisposing syndrome. Also called: Neoplastic Syndromes, Hereditary; Tumor predisposition; Hereditary Cancer Syndrome; Hereditary neoplastic syndrome. Identifiers: Orphanet 140162, MedGen C0027672, MeSH D009386, MONDO:0015356.

Submission:

Color Diagnostics, LLC DBA Color Health
Classification: Uncertain significance for Hereditary cancer-predisposing syndrome. Last evaluated: 2023-11-13. Review status: criteria provided, single submitter. Criteria: ACMG Guidelines, 2015. Collection method: clinical testing. Allele origin: germline.
Comment: This missense variant replaces lysine with threonine at codon 2111 of the BRCA2 protein. Computational prediction suggests that this variant may not impact protein structure and function (internally defined REVEL score threshold <= 0.5, PMID: 27666373). To our knowledge, functional studies have not been reported for this variant. This variant has not been reported in individuals affected with BRCA2-related disorders in the literature. This variant has not been identified in the general population by the Genome Aggregation Database (gnomAD). The available evidence is insufficient to determine the role of this variant in disease conclusively. Therefore, this variant is classified as a Variant of Uncertain Significance.

NM_000059.4(BRCA2):c.6332A>C (p.Lys2111Thr)

Gene: BRCA2 (BRCA2 DNA repair associated; plus strand). Cytogenetic location: 13q13.1.
Variant type: single nucleotide variant.
Coding change: c.6332A>C on transcript NM_000059.4 (MANE Select); coding-DNA position 6332, A replaced by C.
Protein change: p.Lys2111Thr; replaces lysine 2111 with threonine.
Molecular consequence: missense variant. On other transcripts: non-coding transcript variant (1), intron variant (2).
Genome position (GRCh38, 1-based): chr13:32,340,687, A>C. VCF-style: chr13-32340687-A-C. GRCh37 (hg19) VCF-style: chr13-32914824-A-C.
Other names: c.6332A>C, p.Lys2111Thr (NM_001406719.1, NM_001406720.1); c.1910-3871A>C (NM_001406721.1); c.425-3871A>C (NM_001406722.1); short protein forms K2111T.
Identifiers: ClinVar variation 2774934 (VCV002774934.2), dbSNP rs2137526511, ClinGen allele CA387789083.